The following is an entry in ClinVar:

ClinVar aggregate classification (germline): Likely benign. Review status: criteria provided, single submitter (1 of 4 stars). 2 submissions from 2 submitters: Likely benign (1). 1 of the submissions does not count toward it. Last evaluated 2021-08-03.

Conditions:
RPGRIP1L-related disorder. Also called: RPGRIP1L-related disorders; RPGRIP1L-related condition. Identifiers: MedGen CN239416.
Meckel-Gruber syndrome. Also called: DYSENCEPHALIA SPLANCHNOCYSTICA; GRUBER SYNDROME; Dysencephalia splachnocystica. Identifiers: Orphanet 564, MedGen C0265215, MONDO:0018921.
Joubert syndrome. Also called: Familial aplasia of the vermis; JOUBERT-BOLTSHAUSER SYNDROME. Identifiers: Orphanet 475, MedGen C5979921, MONDO:0018772.

Allele frequency attached by ClinVar (database versions not stated): gnomAD exomes below 0.00001.
gnomAD v4.1: 1 of 1,601,814 alleles (0.000062%); highest among the groups gnomAD compares: Non-Finnish European, 0.000085%; no homozygotes.

Submissions (2):

Labcorp Genetics (formerly Invitae), Labcorp
Classification: Likely benign for Joubert syndrome; Meckel-Gruber syndrome. Last evaluated: 2021-08-03. Review status: criteria provided, single submitter. Criteria: Invitae Variant Classification Sherloc (09022015). Collection method: clinical testing. Allele origin: germline.

PreventionGenetics, part of Exact Sciences
Classification: Likely benign for RPGRIP1L-related condition. Last evaluated: 2023-01-07. Review status: no assertion criteria provided. Collection method: clinical testing. Allele origin: germline. Not counted in ClinVar's aggregate classification.
Comment: This variant is classified as likely benign based on ACMG/AMP sequence variant interpretation guidelines (Richards et al. 2015 PMID: 25741868, with internal and published modifications).

NM_015272.5(RPGRIP1L):c.3090A>G (p.Val1030=)

Gene: RPGRIP1L (RPGRIP1 like; minus strand). Cytogenetic location: 16q12.2.
Variant type: single nucleotide variant.
Coding change: c.3090A>G on transcript NM_015272.5 (MANE Select); coding-DNA position 3090, A replaced by G.
Protein change: p.Val1030=; no amino-acid change (valine 1030 retained).
Molecular consequence: synonymous variant.
Genome position (GRCh38, 1-based): chr16:53,637,825, T>C on the plus strand (A>G on the coding strand, the complement: RPGRIP1L is on the minus strand). VCF-style: chr16-53637825-T-C. GRCh37 (hg19) VCF-style: chr16-53671737-T-C.
Other names: c.3090A>G (NM_015272.4); c.2988A>G, p.Val996= (NM_001127897.4, NM_001330538.2); c.3090A>G, p.Val1030= (NM_001308334.3).
Identifiers: ClinVar variation 1113193 (VCV001113193.11), dbSNP rs1965937231, ClinGen allele CA495538772.
Genomic context (GRCh38, chr16:53,637,825, plus strand): 5'-ACCTTCAGATAGTAAAGACACATCATCTTTTCCTTGCTGCATTTTCTCAGTATTCTCTTT[T>C]ACCTCATCTACACTGCCTTCTTGTGAAACCTGAAGAAATCAAAGCACACTGGTATATTTA-3'
Protein context (NP_056087.2, residues 1020-1040): KVSQEGSVDE[Val1030=]KENTEKMQQG